The following is an entry in ClinVar:

ClinVar aggregate classification (germline): Pathogenic. Review status: criteria provided, multiple submitters, no conflicts (2 of 4 stars). 2 submissions from 2 submitters: Pathogenic (2). Last evaluated 2025-09-01.

Conditions:
Hereditary breast ovarian cancer syndrome. Also called: Hereditary breast and ovarian cancer syndrome (HBOC); BRCA1- and BRCA2-Associated Hereditary Breast and Ovarian Cancer; Hereditary breast and ovarian cancer syndrome; Breast and ovarian cancer; Hereditary breast and ovarian cancer; Hereditary breast and/or ovarian cancer syndrome. Identifiers: Orphanet 145, MedGen C0677776, MeSH D061325, MONDO:0003582. Disease mechanism: loss of function.
Hereditary cancer-predisposing syndrome. Also called: Hereditary neoplastic syndrome; Neoplastic Syndromes, Hereditary; Tumor predisposition; Hereditary Cancer Syndrome. Identifiers: Orphanet 140162, MedGen C0027672, MeSH D009386, MONDO:0015356.

Submissions (2):

Labcorp Genetics (formerly Invitae), Labcorp
Classification: Pathogenic for Hereditary breast ovarian cancer syndrome. Last evaluated: 2025-09-01. Review status: criteria provided, single submitter. Criteria: Invitae Variant Classification Sherloc (09022015). Collection method: clinical testing. Allele origin: germline.
Comment: This sequence change creates a premature translational stop signal (p.Ile2330Valfs*10) in the BRCA2 gene. It is expected to result in an absent or disrupted protein product. Loss-of-function variants in BRCA2 are known to be pathogenic (PMID: 20104584). Information on the frequency of this variant in the gnomAD database is not available, as this variant may be reported differently in the database. This variant has not been reported in the literature in individuals affected with BRCA2-related conditions. For these reasons, this variant has been classified as Pathogenic.

Ambry Genetics
Classification: Pathogenic for Hereditary cancer-predisposing syndrome. Last evaluated: 2024-11-12. Review status: criteria provided, single submitter. Criteria: Ambry Variant Classification Scheme 2023. Collection method: clinical testing. Allele origin: germline.
Comment: The c.6987_6989delGATinsTGTG pathogenic mutation, located in coding exon 12 of the BRCA2 gene, results from the deletion of 3 nucleotides and insertion of 4 nucleotides causing a translational frameshift with a predicted alternate stop codon (p.I2330Vfs*10). This variant is considered to be rare based on population cohorts in the Genome Aggregation Database (gnomAD). This alteration is expected to result in loss of function by premature protein truncation or nonsense-mediated mRNA decay. As such, this alteration is interpreted as a disease-causing mutation.

Literature cited by the submitters: PubMed 20104584 (cited by Labcorp Genetics (formerly Invitae), Labcorp).

NM_000059.4(BRCA2):c.6987_6989delinsTGTG (p.Ile2330fs)

Gene: BRCA2 (BRCA2 DNA repair associated; plus strand). Cytogenetic location: 13q13.1.
Variant type: Indel.
Coding change: c.6987_6989delinsTGTG on transcript NM_000059.4 (MANE Select); coding-DNA positions 6987 to 6989, GAT replaced by TGTG.
Protein change: p.Ile2330fs; shifts the reading frame from isoleucine 2330.
Molecular consequence: frameshift variant.
Genome position (GRCh38, 1-based): chr13:32,346,876-32,346,878, GAT replaced by TGTG. VCF-style: chr13-32346876-GAT-TGTG. GRCh37 (hg19) VCF-style: chr13-32921013-GAT-TGTG.
Other names: c.6891_6893delGATinsTGTG, p.Ile2298Valfs (NM_001406719.1); c.6987_6989delGATinsTGTG, p.Ile2330Valfs (NM_001406720.1); c.2055_2057delGATinsTGTG, p.Ile686Valfs (NM_001406721.1); c.570_572delGATinsTGTG, p.Ile191Valfs (NM_001406722.1); short protein forms I2330fs.
Identifiers: ClinVar variation 531412 (VCV000531412.8), dbSNP rs1555285358, ClinGen allele CA658798101.